The following is an entry in ClinVar:

ClinVar aggregate classification (germline): Uncertain significance (1 of 4 stars; one submission).

Conditions:
Renal cell carcinoma (RCCP1). Identifiers: Orphanet 217071, MedGen C0007134, MeSH D002292, MONDO:0005086, HP:0005584.

Submission:

Labcorp Genetics (formerly Invitae), Labcorp
Classification: Uncertain significance for Renal cell carcinoma. Last evaluated: 2021-08-24. Review status: criteria provided, single submitter. Criteria: Invitae Variant Classification Sherloc (09022015). Collection method: clinical testing. Allele origin: germline.
Comment: A gross deletion of the genomic region encompassing the full coding sequence of the MET gene has been identified. The boundaries of this event are unknown as the deletion extends beyond the assayed region for this gene and therefore may encompass additional genes. This variant has not been reported in the literature in individuals with MET-related conditions. The current clinical and genetic evidence is not sufficient to establish whether loss-of-function variants in MET cause disease. In summary, the available evidence is currently insufficient to determine the role of this variant in disease. Therefore, it has been classified as a Variant of Uncertain Significance.

NC_000007.13:g.(?_116339139)_(116436178_?)del

Gene: MET (MET proto-oncogene, receptor tyrosine kinase; plus strand). Cytogenetic location: 7q31.2.
Variant type: Deletion.
Identifiers: ClinVar variation 1062462 (VCV001062462.2).